The following is an entry in ClinVar:

NM_001927.4(DES):c.931A>G (p.Asn311Asp)

Gene: DES (desmin; plus strand). Cytogenetic location: 2q35.
Variant type: single nucleotide variant.
Coding change: c.931A>G on transcript NM_001927.4 (MANE Select); coding-DNA position 931, A replaced by G.
Protein change: p.Asn311Asp; replaces asparagine 311 with aspartic acid.
Molecular consequence: missense variant. On other transcripts: intron variant (1).
Genome position (GRCh38, 1-based): chr2:219,420,861, A>G. VCF-style: chr2-219420861-A-G. GRCh37 (hg19) VCF-style: chr2-220285583-A-G.
Other names: c.928A>G, p.Asn310Asp (NM_001382708.1); c.931A>G, p.Asn311Asp (NM_001382710.1, NM_001382711.1, NM_001382712.1); c.661A>G, p.Asn221Asp (NM_001382713.1); c.735+515A>G (NM_001382709.1); short protein forms N311D, N310D, N221D.
Identifiers: ClinVar variation 2186577 (VCV002186577.6), dbSNP rs1954426654, ClinGen allele CA350692515.

ClinVar aggregate classification (germline): Uncertain significance. Review status: criteria provided, multiple submitters, no conflicts (2 of 4 stars). 3 submissions from 3 submitters: Uncertain significance (3). Last evaluated 2026-02-19.

Conditions:
Desmin-related myofibrillar myopathy (MFM1). Also called: Desminopathy; Desmin related myopathy (former name); Desmin storage myopathy (former name); MYOFIBRILLAR MYOPATHY WITH ARRHYTHMOGENIC RIGHT VENTRICULAR CARDIOMYOPATHY; DESMIN-RELATED MYOPATHY WITH ARRHYTHMOGENIC RIGHT VENTRICULAR CARDIOMYOPATHY; Myofibrillar myopathy 1. Identifiers: Orphanet 363543, Orphanet 98909, MedGen C1832370, MONDO:0011076, OMIM 601419.
Cardiovascular phenotype. Identifiers: MedGen CN230736.

Allele frequency attached by ClinVar (database versions not stated): gnomAD exomes below 0.00001; TOPMed below 0.00001.
gnomAD v4.1: 5 of 1,613,772 alleles (0.00031%); highest among the groups gnomAD compares: South Asian, 0.0011%; no homozygotes.

Submissions (3):

GeneDx
Classification: Uncertain significance. Last evaluated: 2026-02-19. Review status: criteria provided, single submitter. Criteria: GeneDx Variant Classification Process June 2021. Collection method: clinical testing. Allele origin: germline.
Comment: Not observed at significant frequency in large population cohorts (gnomAD); In silico analysis supports that this missense variant has a deleterious effect on protein structure/function; Has not been previously published as pathogenic or benign to our knowledge

Labcorp Genetics (formerly Invitae), Labcorp
Classification: Uncertain significance for Desmin-related myofibrillar myopathy. Last evaluated: 2025-10-28. Review status: criteria provided, single submitter. Criteria: Invitae Variant Classification Sherloc (09022015). Collection method: clinical testing. Allele origin: germline.
Comment: This sequence change replaces asparagine, which is neutral and polar, with aspartic acid, which is acidic and polar, at codon 311 of the DES protein (p.Asn311Asp). This variant is not present in population databases (gnomAD no frequency). This variant has not been reported in the literature in individuals affected with DES-related conditions. ClinVar contains an entry for this variant (Variation ID: 2186577). Invitae Evidence Modeling of protein sequence and biophysical properties (such as structural, functional, and spatial information, amino acid conservation, physicochemical variation, residue mobility, and thermodynamic stability) has been performed for this missense variant. However, the output from this modeling did not meet the statistical confidence thresholds required to predict the impact of this variant on DES protein function. In summary, the available evidence is currently insufficient to determine the role of this variant in disease. Therefore, it has been classified as a Variant of Uncertain Significance.

Ambry Genetics
Classification: Uncertain significance for Cardiovascular phenotype. Last evaluated: 2024-12-13. Review status: criteria provided, single submitter. Criteria: Ambry Variant Classification Scheme 2023. Collection method: clinical testing. Allele origin: germline.
Comment: The p.N311D variant (also known as c.931A>G), located in coding exon 5 of the DES gene, results from an A to G substitution at nucleotide position 931. The asparagine at codon 311 is replaced by aspartic acid, an amino acid with highly similar properties. This amino acid position is conserved. In addition, this alteration is predicted to be tolerated by in silico analysis. Based on the available evidence, the clinical significance of this variant remains unclear.